The following is an entry in ClinVar:

NM_006939.4(SOS2):c.1137G>C (p.Met379Ile)

Gene: SOS2 (SOS Ras/Rho guanine nucleotide exchange factor 2; minus strand). Cytogenetic location: 14q21.3.
Variant type: single nucleotide variant.
Coding change: c.1137G>C on transcript NM_006939.4 (MANE Select); coding-DNA position 1137, G replaced by C.
Protein change: p.Met379Ile; replaces methionine 379 with isoleucine.
Molecular consequence: missense variant.
Genome position (GRCh38, 1-based): chr14:50,161,541, C>G on the plus strand (G>C on the coding strand, the complement: SOS2 is on the minus strand). VCF-style: chr14-50161541-C-G. GRCh37 (hg19) VCF-style: chr14-50628259-C-G.
Other names: c.1038G>C, p.Met346Ile (NM_001411020.1); short protein forms M346I, M379I.
Identifiers: ClinVar variation 3631330 (VCV003631330.2).
Genomic context (GRCh38, chr14:50,161,541, plus strand): 5'-CCCAGGTCGACGTCTAGGTGAATACTGCTTGTAAATTCGGTCCATGCTACCTTGGAGATT[C>G]ATGAGAGCAGTAATAGCTTGGTTCAAACATTCTCTGTCTTCTTGTTCTTCACTACATGCT-3'
Protein context (NP_008870.2, residues 369-389): ECLNQAITAL[Met379Ile]NLQGSMDRIY

ClinVar aggregate classification (germline): Uncertain significance (1 of 4 stars; one submission).

Conditions:
Noonan syndrome 9 (NS9). Identifiers: Orphanet 648, MedGen C4225282, MONDO:0014691, OMIM 616559.

Submission:

Labcorp Genetics (formerly Invitae), Labcorp
Classification: Uncertain significance for Noonan syndrome 9. Last evaluated: 2024-11-11. Review status: criteria provided, single submitter. Criteria: Invitae Variant Classification Sherloc (09022015). Collection method: clinical testing. Allele origin: germline.
Comment: This sequence change replaces methionine, which is neutral and non-polar, with isoleucine, which is neutral and non-polar, at codon 379 of the SOS2 protein (p.Met379Ile). This variant is not present in population databases (gnomAD no frequency). This variant has not been reported in the literature in individuals affected with SOS2-related conditions. Invitae Evidence Modeling of protein sequence and biophysical properties (such as structural, functional, and spatial information, amino acid conservation, physicochemical variation, residue mobility, and thermodynamic stability) indicates that this missense variant is not expected to disrupt SOS2 protein function with a negative predictive value of 95%. In summary, the available evidence is currently insufficient to determine the role of this variant in disease. Therefore, it has been classified as a Variant of Uncertain Significance.